The following is an entry in ClinVar:

NM_007294.4(BRCA1):c.718C>G (p.Gln240Glu)

Gene: BRCA1 (BRCA1 DNA repair associated; minus strand). Cytogenetic location: 17q21.31.
Variant type: single nucleotide variant.
Coding change: c.718C>G on transcript NM_007294.4 (MANE Select); coding-DNA position 718, C replaced by G.
Protein change: p.Gln240Glu; replaces glutamine 240 with glutamic acid.
Molecular consequence: missense variant. On other transcripts: 5 prime UTR variant (2), intron variant (13).
Genome position (GRCh38, 1-based): chr17:43,094,813, G>C on the plus strand (C>G on the coding strand, the complement: BRCA1 is on the minus strand). VCF-style: chr17-43094813-G-C. GRCh37 (hg19) VCF-style: chr17-41246830-G-C.
Other names: c.718C>G, p.Gln240Glu (NM_001407983.1, NM_001407990.1, NM_001407993.1 and 54 more transcripts); c.715C>G, p.Gln239Glu (NM_001407984.1, NM_001407991.1, NM_001407992.1 and 38 more transcripts); c.595C>G, p.Gln199Glu (NM_001408429.1, NM_001408430.1, NM_001408436.1 and 34 more transcripts); c.592C>G, p.Gln198Glu (NM_001408432.1, NM_001408433.1, NM_001408434.1 and 20 more transcripts); c.709C>G, p.Gln237Glu (NM_001408408.1, NM_001407646.1, NM_001407647.1); c.640C>G, p.Gln214Glu (NM_001408412.1, NM_001408414.1, NM_001408415.1 and 9 more transcripts); c.637C>G, p.Gln213Glu (NM_001408413.1, NM_001408416.1, NM_001407659.1 and 3 more transcripts); c.577C>G, p.Gln193Glu (NM_001408410.1, NM_001407692.1, NM_001407694.1 and 43 more transcripts); and 20 more; short protein forms Q112E, Q172E, Q193E, Q199E, Q240E, Q72E, Q128E, Q151E.
Identifiers: ClinVar variation 2767859 (VCV002767859.3), dbSNP rs886040313, ClinGen allele CA10600649.

ClinVar aggregate classification (germline): Uncertain significance (1 of 4 stars; one submission).

Conditions:
Hereditary breast ovarian cancer syndrome. Also called: Hereditary breast and ovarian cancer syndrome; Hereditary breast and/or ovarian cancer syndrome; BRCA1- and BRCA2-Associated Hereditary Breast and Ovarian Cancer; Hereditary breast and ovarian cancer; Breast and ovarian cancer; Hereditary breast and ovarian cancer syndrome (HBOC). Identifiers: Orphanet 145, MedGen C0677776, MeSH D061325, MONDO:0003582. Disease mechanism: loss of function.

Submission:

Labcorp Genetics (formerly Invitae), Labcorp
Classification: Uncertain significance for Hereditary breast ovarian cancer syndrome. Last evaluated: 2023-10-13. Review status: criteria provided, single submitter. Criteria: Invitae Variant Classification Sherloc (09022015). Collection method: clinical testing. Allele origin: germline.
Comment: This sequence change replaces glutamine, which is neutral and polar, with glutamic acid, which is acidic and polar, at codon 240 of the BRCA1 protein (p.Gln240Glu). This variant is not present in population databases (gnomAD no frequency). This variant has not been reported in the literature in individuals affected with BRCA1-related conditions. Advanced modeling of protein sequence and biophysical properties (such as structural, functional, and spatial information, amino acid conservation, physicochemical variation, residue mobility, and thermodynamic stability) performed at Invitae indicates that this missense variant is not expected to disrupt BRCA1 protein function. In summary, the available evidence is currently insufficient to determine the role of this variant in disease. Therefore, it has been classified as a Variant of Uncertain Significance.